The following is an entry in ClinVar:

ClinVar aggregate classification (germline): Uncertain significance (1 of 4 stars; one submission).

Conditions:
Autosomal recessive limb-girdle muscular dystrophy type 2A (LGMDR1). Also called: LEYDEN-MOEBIUS MUSCULAR DYSTROPHY; MUSCULAR DYSTROPHY, PELVOFEMORAL; Limb-girdle muscular dystrophy, type 2A; Muscular dystrophy, limb-girdle, type 2A, Amish; Calpainopathy. Identifiers: Orphanet 267, MedGen C1869123, MONDO:0009675, OMIM 253600. Disease mechanism: loss of function.

Allele frequency attached by ClinVar (database versions not stated): gnomAD exomes below 0.00001.

Submission:

Labcorp Genetics (formerly Invitae), Labcorp
Classification: Uncertain significance for Autosomal recessive limb-girdle muscular dystrophy type 2A. Last evaluated: 2021-08-31. Review status: criteria provided, single submitter. Criteria: Invitae Variant Classification Sherloc (09022015). Collection method: clinical testing. Allele origin: germline.
Comment: This sequence change replaces lysine with glutamic acid at codon 71 of the CAPN3 protein (p.Lys71Glu). The lysine residue is moderately conserved and there is a small physicochemical difference between lysine and glutamic acid. This variant is not present in population databases (ExAC no frequency). This variant has not been reported in the literature in individuals affected with CAPN3-related conditions. Algorithms developed to predict the effect of missense changes on protein structure and function (SIFT, PolyPhen-2, Align-GVGD) all suggest that this variant is likely to be tolerated. In summary, the available evidence is currently insufficient to determine the role of this variant in disease. Therefore, it has been classified as a Variant of Uncertain Significance.

NM_000070.3(CAPN3):c.211A>G (p.Lys71Glu)

Gene: CAPN3 (calpain 3; plus strand). Cytogenetic location: 15q15.1.
Variant type: single nucleotide variant.
Coding change: c.211A>G on transcript NM_000070.3 (MANE Select); coding-DNA position 211, A replaced by G.
Protein change: p.Lys71Glu; replaces lysine 71 with glutamic acid.
Molecular consequence: missense variant.
Genome position (GRCh38, 1-based): chr15:42,360,016, A>G. VCF-style: chr15-42360016-A-G. GRCh37 (hg19) VCF-style: chr15-42652214-A-G.
Other names: c.211A>G, p.Lys71Glu (NM_024344.2, NM_173087.2); short protein forms K71E.
Identifiers: ClinVar variation 645680 (VCV000645680.6), dbSNP rs1595794265, ClinGen allele CA391994854.